The following is an entry in ClinVar:

ClinVar aggregate classification (germline): Likely pathogenic. Review status: criteria provided, multiple submitters, no conflicts (2 of 4 stars). 2 submissions from 2 submitters: Likely pathogenic (2). Last evaluated 2019-04-12.

Conditions:
Hypokalemic periodic paralysis, type 2 (HOKPP2). Identifiers: Orphanet 681, MedGen C2750061, MONDO:0013234, OMIM 613345.

Submissions (2):

Baylor Genetics
Classification: Likely pathogenic for Hypokalemic periodic paralysis, type 2. Last evaluated: 2019-04-12. Review status: criteria provided, single submitter. Criteria: ACMG Guidelines, 2015. Collection method: clinical testing. Allele origin: de novo. Affected: yes.
Comment: This variant was determined to be likely pathogenic according to ACMG Guidelines, 2015 [PMID:25741868].

Undiagnosed Diseases Network, NIH
Classification: Likely pathogenic for Hypokalemic periodic paralysis, type 2. Last evaluated: 2019-04-12. Review status: criteria provided, single submitter. Criteria: ACMG Guidelines, 2015. Collection method: clinical testing. Allele origin: de novo. Inheritance: Autosomal dominant inheritance. Affected: yes. Observed: 1 variant allele, 1 heterozygote.

NM_000334.4(SCN4A):c.3403C>A (p.Arg1135Ser)

Genes: GH-LCR (growth hormone locus control region; plus strand), SCN4A (sodium voltage-gated channel alpha subunit 4; minus strand). Cytogenetic location: 17q23.3.
Variant type: single nucleotide variant.
Coding change: c.3403C>A on transcript NM_000334.4 (MANE Select); coding-DNA position 3403, C replaced by A.
Protein change: p.Arg1135Ser; replaces arginine 1135 with serine.
Molecular consequence: missense variant.
Genome position (GRCh38, 1-based): chr17:63,947,083, G>T on the plus strand (C>A on the coding strand, the complement: SCN4A is on the minus strand). VCF-style: chr17-63947083-G-T. GRCh37 (hg19) VCF-style: chr17-62024443-G-T.
Other names: short protein forms R1135S.
Identifiers: ClinVar variation 870587 (VCV000870587.4), dbSNP rs1287863349, ClinGen allele CA400619397.